The following is an entry in ClinVar:

ClinVar aggregate classification (germline): Conflicting classifications of pathogenicity. Review status: criteria provided, conflicting classifications (1 of 4 stars). 3 submissions from 3 submitters: Uncertain significance (2); Benign (1). Last evaluated 2025-06-23.

Conditions:
Juvenile polyposis syndrome (JPS). Identifiers: Orphanet 2929, MedGen C0345893, MONDO:0017380, OMIM 174900.
Hereditary cancer-predisposing syndrome. Also called: Neoplastic Syndromes, Hereditary; Hereditary Cancer Syndrome; Hereditary neoplastic syndrome; Tumor predisposition. Identifiers: Orphanet 140162, MedGen C0027672, MeSH D009386, MONDO:0015356.

Allele frequency attached by ClinVar (database versions not stated): TOPMed below 0.00001; ExAC 0.00001; gnomAD exomes 0.00001.
gnomAD v4.1: 5 of 1,613,962 alleles (0.00031%); highest among the groups gnomAD compares: Non-Finnish European, 0.00042%; no homozygotes.

Submissions (3):

Labcorp Genetics (formerly Invitae), Labcorp
Classification: Uncertain significance for Juvenile polyposis syndrome. Last evaluated: 2025-06-23. Review status: criteria provided, single submitter. Criteria: Invitae Variant Classification Sherloc (09022015). Collection method: clinical testing. Allele origin: germline.
Comment: This sequence change replaces alanine, which is neutral and non-polar, with glutamic acid, which is acidic and polar, at codon 198 of the BMPR1A protein (p.Ala198Glu). This variant is present in population databases (rs776160961, gnomAD 0.002%). This variant has not been reported in the literature in individuals affected with BMPR1A-related conditions. ClinVar contains an entry for this variant (Variation ID: 826064). Invitae Evidence Modeling of protein sequence and biophysical properties (such as structural, functional, and spatial information, amino acid conservation, physicochemical variation, residue mobility, and thermodynamic stability) indicates that this missense variant is not expected to disrupt BMPR1A protein function with a negative predictive value of 80%. In summary, the available evidence is currently insufficient to determine the role of this variant in disease. Therefore, it has been classified as a Variant of Uncertain Significance.

All of Us Research Program, National Institutes of Health
Classification: Uncertain significance for Juvenile polyposis syndrome. Last evaluated: 2023-03-28. Review status: criteria provided, single submitter. Criteria: ACMG Guidelines, 2015. Collection method: clinical testing. Allele origin: germline. Inheritance: Autosomal dominant inheritance. Observed: 1 variant allele, 1 heterozygote.
Comment: This study involves interpretation of variants in research participants for the purpose of population health screening. Participant phenotype was not available at the time of variant classification. Additional details can be found in publication PMID: 35346344, PMCID: PMC8962531

Ambry Genetics
Classification: Benign for Hereditary cancer-predisposing syndrome. Last evaluated: 2023-02-14. Review status: criteria provided, single submitter. Criteria: Ambry Variant Classification Scheme 2023. Collection method: clinical testing. Allele origin: germline.

NM_004329.3(BMPR1A):c.593C>A (p.Ala198Glu)

Gene: BMPR1A (bone morphogenetic protein receptor type 1A; plus strand). Cytogenetic location: 10q23.2.
Variant type: single nucleotide variant.
Coding change: c.593C>A on transcript NM_004329.3 (MANE Select); coding-DNA position 593, C replaced by A.
Protein change: p.Ala198Glu; replaces alanine 198 with glutamic acid.
Molecular consequence: missense variant.
Genome position (GRCh38, 1-based): chr10:86,912,302, C>A. VCF-style: chr10-86912302-C-A. GRCh37 (hg19) VCF-style: chr10-88672059-C-A.
Other names: short protein forms A198E.
Identifiers: ClinVar variation 826064 (VCV000826064.15), dbSNP rs776160961, ClinGen allele CA5585562.